The following is an entry in ClinVar:

NM_014254.3(RXYLT1):c.70G>C (p.Ala24Pro)

Gene: RXYLT1 (ribitol xylosyltransferase 1; plus strand). Cytogenetic location: 12q14.2.
Variant type: single nucleotide variant.
Coding change: c.70G>C on transcript NM_014254.3 (MANE Select); coding-DNA position 70, G replaced by C.
Protein change: p.Ala24Pro; replaces alanine 24 with proline.
Molecular consequence: missense variant.
Genome position (GRCh38, 1-based): chr12:63,780,030, G>C. VCF-style: chr12-63780030-G-C. GRCh37 (hg19) VCF-style: chr12-64173810-G-C.
Other names: c.70G>C (NM_014254.1); short protein forms A24P.
Identifiers: ClinVar variation 376769 (VCV000376769.11), dbSNP rs377034865, ClinGen allele CA6665977.

ClinVar aggregate classification (germline): Uncertain significance. Review status: criteria provided, multiple submitters, no conflicts (2 of 4 stars). 4 submissions from 4 submitters: Uncertain significance (4). Last evaluated 2023-10-25.

Conditions:
Inborn genetic diseases. Identifiers: MedGen C0950123, MeSH D030342.

Allele frequency attached by ClinVar (database versions not stated): gnomAD 0.00001; TOPMed 0.00002; 1000 Genomes Project 30x 0.00016.
gnomAD v4.1: 27 of 1,608,392 alleles (0.0017%); highest among the groups gnomAD compares: Admixed American, 0.023%; no homozygotes.

Submissions (4):

Ambry Genetics
Classification: Uncertain significance for Inborn genetic diseases. Last evaluated: 2023-10-25. Review status: criteria provided, single submitter. Criteria: Ambry Variant Classification Scheme 2023. Collection method: clinical testing. Allele origin: germline.

Labcorp Genetics (formerly Invitae), Labcorp
Classification: Uncertain significance. Last evaluated: 2022-08-23. Review status: criteria provided, single submitter. Criteria: Invitae Variant Classification Sherloc (09022015). Collection method: clinical testing. Allele origin: germline.
Comment: This sequence change replaces alanine, which is neutral and non-polar, with proline, which is neutral and non-polar, at codon 24 of the RXYLT1 protein (p.Ala24Pro). This variant is present in population databases (rs377034865, gnomAD 0.03%). This variant has not been reported in the literature in individuals affected with RXYLT1-related conditions. ClinVar contains an entry for this variant (Variation ID: 376769). Algorithms developed to predict the effect of missense changes on protein structure and function are either unavailable or do not agree on the potential impact of this missense change (SIFT: "Tolerated"; PolyPhen-2: "Probably Damaging"; Align-GVGD: "Class C0"). In summary, the available evidence is currently insufficient to determine the role of this variant in disease. Therefore, it has been classified as a Variant of Uncertain Significance.

GeneDx
Classification: Uncertain significance. Last evaluated: 2019-10-11. Review status: criteria provided, single submitter. Criteria: GeneDx Variant Classification Process June 2021. Collection method: clinical testing. Allele origin: germline. Affected: yes.
Comment: In silico analysis, which includes protein predictors and evolutionary conservation, supports that this variant does not alter protein structure/function; Has not been previously published as pathogenic or benign to our knowledge

Center for Pediatric Genomic Medicine, Children's Mercy Hospital and Clinics
Classification: Uncertain significance. Last evaluated: 2016-07-13. Review status: criteria provided, single submitter. Criteria: ACMG Guidelines, 2015. Collection method: clinical testing. Allele origin: germline.
ClinVar note: Converted during submission from Uncertain Significance to Uncertain significance.